The following is an entry in ClinVar:

NM_001244926.2(PRPF4):c.28-11T>G

Gene: PRPF4 (pre-mRNA splicing tri-snRNP complex factor PRPF4; plus strand). Cytogenetic location: 9q32.
Variant type: single nucleotide variant.
Coding change: c.28-11T>G on transcript NM_001244926.2 (MANE Select); 11 bases into the intron before coding-DNA position 28, T replaced by G.
Molecular consequence: intron variant.
Genome position (GRCh38, 1-based): chr9:113,276,537, T>G. VCF-style: chr9-113276537-T-G. GRCh37 (hg19) VCF-style: chr9-116038817-T-G.
Other names: c.-741-8T>G (NM_001322267.2); c.28-8T>G (NM_004697.5); c.-738-11T>G (NM_001322266.2).
Identifiers: ClinVar variation 2124418 (VCV002124418.4), dbSNP rs753401388, ClinGen allele CA5194767.

ClinVar aggregate classification (germline): Uncertain significance (1 of 4 stars; one submission).

Allele frequency attached by ClinVar (database versions not stated): gnomAD exomes below 0.00001; ExAC 0.00001.
gnomAD v4.1: 1 of 1,614,102 alleles (0.000062%); highest among the groups gnomAD compares: South Asian, 0.0011%; no homozygotes.

Submission:

Labcorp Genetics (formerly Invitae), Labcorp
Classification: Uncertain significance. Last evaluated: 2022-04-10. Review status: criteria provided, single submitter. Criteria: Invitae Variant Classification Sherloc (09022015). Collection method: clinical testing. Allele origin: germline.
Comment: This sequence change falls in intron 1 of the PRPF4 gene. It does not directly change the encoded amino acid sequence of the PRPF4 protein. This variant is present in population databases (rs753401388, gnomAD 0.003%). This variant has not been reported in the literature in individuals affected with PRPF4-related conditions. Algorithms developed to predict the effect of sequence changes on RNA splicing suggest that this variant may disrupt the consensus splice site. In summary, the available evidence is currently insufficient to determine the role of this variant in disease. Therefore, it has been classified as a Variant of Uncertain Significance.